The following is an entry in ClinVar:

NM_024027.5(COLEC11):c.203-11487C>T

Gene: COLEC11 (collectin subfamily member 11; plus strand). Cytogenetic location: 2p25.3.
Variant type: single nucleotide variant.
Coding change: c.203-11487C>T on transcript NM_024027.5 (MANE Select); 11487 bases into the intron before coding-DNA position 203, C replaced by T.
Molecular consequence: intron variant. On other transcripts: synonymous variant (1).
Genome position (GRCh38, 1-based): chr2:3,626,046, C>T. VCF-style: chr2-3626046-C-T. GRCh37 (hg19) VCF-style: chr2-3673636-C-T.
Other names: c.147C>T, p.Ile49= (NM_199235.3); c.202+12664C>T (NM_001255983.2); c.131-11487C>T (NM_001255982.2); c.131-14232C>T (NM_001255984.2); c.245-11487C>T (NM_001255985.1); c.125-11487C>T (NM_001255986.1); c.124+12664C>T (NM_001255988.1); c.53-11487C>T (NM_001255987.1); and 1 more.
Identifiers: ClinVar variation 3053967 (VCV003053967.2), dbSNP rs137940027, ClinGen allele CA1516903.

ClinVar aggregate classification (germline): Likely benign (0 of 4 stars; one submission).

Conditions:
COLEC11-related disorder. Also called: COLEC11-related condition.

gnomAD v4.1: 77 of 1,614,064 alleles (0.0048%); highest among the groups gnomAD compares: Admixed American, 0.01%; no homozygotes.

Submission:

PreventionGenetics, part of Exact Sciences
Classification: Likely benign for COLEC11-related condition. Last evaluated: 2023-03-02. Review status: no assertion criteria provided. Collection method: clinical testing. Allele origin: germline.
Comment: This variant is classified as likely benign based on ACMG/AMP sequence variant interpretation guidelines (Richards et al. 2015 PMID: 25741868, with internal and published modifications).